The following is an entry in ClinVar:

ClinVar aggregate classification (germline): Likely benign (1 of 4 stars; one submission).

Allele frequency attached by ClinVar (database versions not stated): gnomAD 0.00001; gnomAD exomes 0.00002; TOPMed 0.00003; 1000 Genomes Project 30x 0.00016; 1000 Genomes Project 0.00020.
gnomAD v4.1: 36 of 1,538,736 alleles (0.0023%); highest among the groups gnomAD compares: South Asian, 0.0072%; no homozygotes.

Submission:

CeGaT Center for Human Genetics Tuebingen
Classification: Likely benign. Last evaluated: 2024-03-01. Review status: criteria provided, single submitter. Criteria: CeGaT Center For Human Genetics Tuebingen Variant Classification Criteria Version 2. Collection method: clinical testing. Allele origin: germline. Affected: yes. Observed: 1 variant allele.
Comment: LAMA5: BP4, BP7

NM_005560.6(LAMA5):c.6870C>T (p.Ser2290=)

Gene: LAMA5 (laminin subunit alpha 5; minus strand). Cytogenetic location: 20q13.33.
Variant type: single nucleotide variant.
Coding change: c.6870C>T on transcript NM_005560.6 (MANE Select); coding-DNA position 6870, C replaced by T.
Protein change: p.Ser2290=; no amino-acid change (serine 2290 retained).
Molecular consequence: synonymous variant.
Genome position (GRCh38, 1-based): chr20:62,319,685, G>A on the plus strand (C>T on the coding strand, the complement: LAMA5 is on the minus strand). VCF-style: chr20-62319685-G-A. GRCh37 (hg19) VCF-style: chr20-60894741-G-A.
Identifiers: ClinVar variation 3067347 (VCV003067347.21), dbSNP rs560460685, ClinGen allele CA317246218.